The following is an entry in ClinVar:

NM_001364905.1(LRBA):c.1630G>A (p.Val544Ile)

Gene: LRBA (LPS responsive beige-like anchor protein; minus strand). Cytogenetic location: 4q31.3.
Variant type: single nucleotide variant.
Coding change: c.1630G>A on transcript NM_001364905.1 (MANE Select); coding-DNA position 1630, G replaced by A.
Protein change: p.Val544Ile; replaces valine 544 with isoleucine.
Molecular consequence: missense variant.
Genome position (GRCh38, 1-based): chr4:150,905,963, C>T on the plus strand (G>A on the coding strand, the complement: LRBA is on the minus strand). VCF-style: chr4-150905963-C-T. GRCh37 (hg19) VCF-style: chr4-151827115-C-T.
Other names: c.1630G>A, p.Val544Ile (NM_001199282.3, NM_001367550.1, NM_006726.5); short protein forms V544I.
Identifiers: ClinVar variation 1503901 (VCV001503901.8), dbSNP rs745855343, ClinGen allele CA3103516.

ClinVar aggregate classification (germline): Uncertain significance (1 of 4 stars; one submission).

Conditions:
Combined immunodeficiency due to LRBA deficiency. Also called: Common variable immunodeficiency 8, with autoimmunity. Identifiers: Orphanet 445018, MedGen C3553512, MONDO:0013863, OMIM 614700.

Allele frequency attached by ClinVar (database versions not stated): gnomAD exomes below 0.00001; ExAC 0.00001.
gnomAD v4.1: 2 of 1,613,648 alleles (0.00012%); highest among the groups gnomAD compares: South Asian, 0.0011%; no homozygotes.

Submission:

Labcorp Genetics (formerly Invitae), Labcorp
Classification: Uncertain significance for Combined immunodeficiency due to LRBA deficiency. Last evaluated: 2021-01-19. Review status: criteria provided, single submitter. Criteria: Invitae Variant Classification Sherloc (09022015). Collection method: clinical testing. Allele origin: germline.
Comment: This sequence change replaces valine with isoleucine at codon 544 of the LRBA protein (p.Val544Ile). The valine residue is moderately conserved and there is a small physicochemical difference between valine and isoleucine. This variant is present in population databases (rs745855343, ExAC 0.006%). This variant has not been reported in the literature in individuals with LRBA-related conditions. Algorithms developed to predict the effect of missense changes on protein structure and function are either unavailable or do not agree on the potential impact of this missense change (SIFT: "Tolerated"; PolyPhen-2: "Probably Damaging"; Align-GVGD: "Class C0"). In summary, the available evidence is currently insufficient to determine the role of this variant in disease. Therefore, it has been classified as a Variant of Uncertain Significance.